The following is an entry in ClinVar:

ClinVar aggregate classification (germline): Conflicting classifications of pathogenicity. Review status: criteria provided, conflicting classifications (1 of 4 stars). 5 submissions from 5 submitters: Uncertain significance (4); Likely benign (1). Last evaluated 2025-06-09.

Conditions:
Hereditary cancer-predisposing syndrome. Also called: Tumor predisposition; Hereditary neoplastic syndrome; Neoplastic Syndromes, Hereditary; Hereditary Cancer Syndrome. Identifiers: Orphanet 140162, MedGen C0027672, MeSH D009386, MONDO:0015356.
Ataxia-telangiectasia syndrome (AT). Also called: Ataxia-telangiectasia, complementation group D; AT, COMPLEMENTATION GROUP C; ATAXIA-TELANGIECTASIA, COMPLEMENTATION GROUP A; ATAXIA-TELANGIECTASIA, FRESNO VARIANT; Ataxia-telangiectasia; LOUIS-BAR SYNDROME. Identifiers: Orphanet 100, MedGen C0004135, MONDO:0008840, OMIM 208900.

Allele frequency attached by ClinVar (database versions not stated): ExAC 0.00001; gnomAD exomes below 0.00001; gnomAD 0.00003.
gnomAD v4.1: 3 of 1,613,602 alleles (0.00019%); highest among the groups gnomAD compares: Non-Finnish European, 0.00025%; no homozygotes.

Submissions (5):

Labcorp Genetics (formerly Invitae), Labcorp
Classification: Uncertain significance for Ataxia-telangiectasia syndrome. Last evaluated: 2025-06-09. Review status: criteria provided, single submitter. Criteria: Invitae Variant Classification Sherloc (09022015). Collection method: clinical testing. Allele origin: germline.
Comment: This sequence change replaces methionine, which is neutral and non-polar, with valine, which is neutral and non-polar, at codon 2235 of the ATM protein (p.Met2235Val). This variant is present in population databases (rs768791795, gnomAD 0.002%). This variant has not been reported in the literature in individuals affected with ATM-related conditions. ClinVar contains an entry for this variant (Variation ID: 627887). Invitae Evidence Modeling of protein sequence and biophysical properties (such as structural, functional, and spatial information, amino acid conservation, physicochemical variation, residue mobility, and thermodynamic stability) indicates that this missense variant is not expected to disrupt ATM protein function with a negative predictive value of 95%. In summary, the available evidence is currently insufficient to determine the role of this variant in disease. Therefore, it has been classified as a Variant of Uncertain Significance.

Ambry Genetics
Classification: Likely benign for Hereditary cancer-predisposing syndrome. Last evaluated: 2024-11-13. Review status: criteria provided, single submitter. Criteria: Ambry Variant Classification Scheme 2023. Collection method: clinical testing. Allele origin: germline.

Sema4
Classification: Uncertain significance for Hereditary cancer-predisposing syndrome. Last evaluated: 2022-03-09. Review status: criteria provided, single submitter. Criteria: Sema4 Curation Guidelines. Collection method: curation. Allele origin: germline.
Comment: The ATM c.6703A>G (p.M2235V) variant has been reported in 2 healthy individuals in cohorts of individuals with chronic lymphocytic leukemia and breast cancer (PMID 28652578, 33471991). It was observed in 2/128870 chromosomes in the Non-Finnish European population, according to the Genome Aggregation Database (PMID 32461654). This variant has been reported in ClinVar (Variation ID 627887). In silico tools suggest the impact of the variant on protein function is benign, though these predictions have not been confirmed by functional studies. The evidence is insufficient to meet ACMG/AMP criteria for classifying the variant as benign or pathogenic. Thus, the clinical significance of this variant is currently uncertain.

GeneDx
Classification: Uncertain significance. Last evaluated: 2020-05-14. Review status: criteria provided, single submitter. Criteria: GeneDx Variant Classification Process June 2021. Collection method: clinical testing. Allele origin: germline. Affected: yes.
Comment: Not observed at a significant frequency in large population cohorts (Lek 2016); In silico analysis supports that this missense variant does not alter protein structure/function; Has not been previously published as pathogenic or benign to our knowledge

Color Diagnostics, LLC DBA Color Health
Classification: Uncertain significance for Hereditary cancer-predisposing syndrome. Last evaluated: 2019-06-06. Review status: criteria provided, single submitter. Criteria: ACMG Guidelines, 2015. Collection method: clinical testing. Allele origin: germline.

Literature cited by the submitters: PubMed 28652578 (cited by Ambry Genetics and Sema4); PubMed 33471991 (cited by Sema4).

NM_000051.4(ATM):c.6703A>G (p.Met2235Val)

Genes: ATM (ATM serine/threonine kinase; plus strand), C11orf65 (chromosome 11 open reading frame 65; minus strand). Cytogenetic location: 11q22.3.
Variant type: single nucleotide variant.
Coding change: c.6703A>G on transcript NM_000051.4 (MANE Select); coding-DNA position 6703, A replaced by G.
Protein change: p.Met2235Val; replaces methionine 2235 with valine.
Molecular consequence: missense variant. On other transcripts: intron variant (2).
Genome position (GRCh38, 1-based): chr11:108,325,440, A>G. VCF-style: chr11-108325440-A-G. GRCh37 (hg19) VCF-style: chr11-108196167-A-G.
Other names: c.6703A>G, p.Met2235Val (NM_001351834.2); c.641-16369T>C (NM_001330368.2); c.*38+9780T>C (NM_001351110.2); short protein forms M2235V.
Identifiers: ClinVar variation 627887 (VCV000627887.16), dbSNP rs768791795, ClinGen allele CA6265997.